The following is an entry in ClinVar:

NM_001387777.1(TNS1):c.2514T>C (p.Asn838=)

Gene: TNS1 (tensin 1; minus strand). Cytogenetic location: 2q35.
Variant type: single nucleotide variant.
Coding change: c.2514T>C on transcript NM_001387777.1 (MANE Select); coding-DNA position 2514, T replaced by C.
Protein change: p.Asn838=; no amino-acid change (asparagine 838 retained).
Molecular consequence: synonymous variant.
Genome position (GRCh38, 1-based): chr2:217,848,003, A>G on the plus strand (T>C on the coding strand, the complement: TNS1 is on the minus strand). VCF-style: chr2-217848003-A-G. GRCh37 (hg19) VCF-style: chr2-218712726-A-G.
Other names: c.2139T>C, p.Asn713= (NM_001308022.2, NM_001308023.2, NM_022648.7).
Identifiers: ClinVar variation 3060316 (VCV003060316.2), dbSNP rs1364642, ClinGen allele CA2100219.

ClinVar aggregate classification (germline): Benign (0 of 4 stars; one submission).

Conditions:
TNS1-related disorder. Also called: TNS1-related condition.

Allele frequency attached by ClinVar (database versions not stated): gnomAD exomes 0.32941; ExAC 0.35185; ESP Exome Variant Server 0.39812; gnomAD 0.40105; TOPMed 0.40159; 1000 Genomes Project 0.43570; 1000 Genomes Project 30x 0.43894.
gnomAD v4.1: 511,092 of 1,513,772 alleles (34%); highest among the groups gnomAD compares: African/African-American, 59%; 90,341 homozygotes.

Submission:

PreventionGenetics, part of Exact Sciences
Classification: Benign for TNS1-related condition. Last evaluated: 2019-10-28. Review status: no assertion criteria provided. Collection method: clinical testing. Allele origin: germline.
Comment: This variant is classified as benign based on ACMG/AMP sequence variant interpretation guidelines (Richards et al. 2015 PMID: 25741868, with internal and published modifications).